The following is an entry in ClinVar:

NM_003823.4(TNFRSF6B):c.848C>A (p.Ala283Asp)

Genes: RTEL1-TNFRSF6B (RTEL1-TNFRSF6B readthrough (NMD candidate); plus strand), TNFRSF6B (TNF receptor superfamily member 6b; plus strand). Cytogenetic location: 20q13.33.
Variant type: single nucleotide variant.
Coding change: c.848C>A on transcript NM_003823.4 (MANE Select); coding-DNA position 848, C replaced by A.
Protein change: p.Ala283Asp; replaces alanine 283 with aspartic acid.
Molecular consequence: missense variant. On other transcripts: non-coding transcript variant (1).
Genome position (GRCh38, 1-based): chr20:63,698,508, C>A. VCF-style: chr20-63698508-C-A. GRCh37 (hg19) VCF-style: chr20-62329861-C-A.
Other names: short protein forms A283D.
Identifiers: ClinVar variation 1512055 (VCV001512055.8), dbSNP rs2145495049, ClinGen allele CA409712248.

ClinVar aggregate classification (germline): Uncertain significance (1 of 4 stars; one submission).

Submission:

Labcorp Genetics (formerly Invitae), Labcorp
Classification: Uncertain significance. Last evaluated: 2022-06-20. Review status: criteria provided, single submitter. Criteria: Invitae Variant Classification Sherloc (09022015). Collection method: clinical testing. Allele origin: germline.
Comment: In summary, the available evidence is currently insufficient to determine the role of this variant in disease. Therefore, it has been classified as a Variant of Uncertain Significance. Algorithms developed to predict the effect of missense changes on protein structure and function are either unavailable or do not agree on the potential impact of this missense change (SIFT: "Deleterious"; PolyPhen-2: "Probably Damaging"; Align-GVGD: "Class C0"). This sequence change replaces alanine, which is neutral and non-polar, with aspartic acid, which is acidic and polar, at codon 283 of the TNFRSF6B protein (p.Ala283Asp). This variant is not present in population databases (gnomAD no frequency). This variant has not been reported in the literature in individuals affected with TNFRSF6B-related conditions.